The following is an entry in ClinVar:

ClinVar aggregate classification (germline): Conflicting classifications of pathogenicity. Review status: criteria provided, conflicting classifications (1 of 4 stars). 2 submissions from 2 submitters: Uncertain significance (1); Likely benign (1). Last evaluated 2026-06-16.

Conditions:
Hereditary cancer-predisposing syndrome. Also called: Neoplastic Syndromes, Hereditary; Hereditary Cancer Syndrome; Tumor predisposition; Hereditary neoplastic syndrome. Identifiers: Orphanet 140162, MedGen C0027672, MeSH D009386, MONDO:0015356.

Submissions (2):

Ambry Genetics
Classification: Uncertain significance for Hereditary cancer-predisposing syndrome. Last evaluated: 2026-06-16. Review status: criteria provided, single submitter. Criteria: Ambry Variant Classification Scheme 2023. Collection method: clinical testing. Allele origin: germline.
Comment: The p.E621D variant (also known as c.1863A>C), located in coding exon 9 of the BRCA2 gene, results from an A to C substitution at nucleotide position 1863. The glutamic acid at codon 621 is replaced by aspartic acid, an amino acid with highly similar properties. This amino acid position is well conserved in available vertebrate species. In addition, this alteration is predicted to be tolerated by in silico analysis. Based on the available evidence, the clinical significance of this variant remains unclear.

University of Washington Department of Laboratory Medicine, University of Washington
Classification: Likely benign for Hereditary cancer-predisposing syndrome. Last evaluated: 2023-03-23. Review status: criteria provided, single submitter. Criteria: Dines et al. (Genet Med. 2020). Collection method: curation. Allele origin: germline.
Comment: Missense variant in a coldspot region where missense variants are very unlikely to be pathogenic (PMID:31911673).

BRCA2 exon 10 coldspot. Reclassification based on statistical prior probability.

NM_000059.4(BRCA2):c.1863A>C (p.Glu621Asp)

Gene: BRCA2 (BRCA2 DNA repair associated; plus strand). Cytogenetic location: 13q13.1.
Variant type: single nucleotide variant.
Coding change: c.1863A>C on transcript NM_000059.4 (MANE Select); coding-DNA position 1863, A replaced by C.
Protein change: p.Glu621Asp; replaces glutamic acid 621 with aspartic acid.
Molecular consequence: missense variant.
Genome position (GRCh38, 1-based): chr13:32,333,341, A>C. VCF-style: chr13-32333341-A-C. GRCh37 (hg19) VCF-style: chr13-32907478-A-C.
Other names: short protein forms E621D.
Identifiers: ClinVar variation 142870 (VCV000142870.6), dbSNP rs587782782, ClinGen allele CA013650.